The following is an entry in ClinVar:

ClinVar aggregate classification (germline): Uncertain significance (1 of 4 stars; one submission).

Allele frequency attached by ClinVar (database versions not stated): gnomAD 0.00001; gnomAD exomes 0.00001; TOPMed 0.00001.
gnomAD v4.1: 6 of 1,609,080 alleles (0.00037%); highest among the groups gnomAD compares: Admixed American, 0.0083%; no homozygotes.

Submission:

Labcorp Genetics (formerly Invitae), Labcorp
Classification: Uncertain significance. Last evaluated: 2023-10-03. Review status: criteria provided, single submitter. Criteria: Invitae Variant Classification Sherloc (09022015). Collection method: clinical testing. Allele origin: germline.
Comment: This sequence change replaces aspartic acid, which is acidic and polar, with valine, which is neutral and non-polar, at codon 269 of the GRID2 protein (p.Asp269Val). This variant is present in population databases (no rsID available, gnomAD 0.006%). This variant has not been reported in the literature in individuals affected with GRID2-related conditions. ClinVar contains an entry for this variant (Variation ID: 1935299). Advanced modeling of protein sequence and biophysical properties (such as structural, functional, and spatial information, amino acid conservation, physicochemical variation, residue mobility, and thermodynamic stability) performed at Invitae indicates that this missense variant is not expected to disrupt GRID2 protein function. In summary, the available evidence is currently insufficient to determine the role of this variant in disease. Therefore, it has been classified as a Variant of Uncertain Significance.

NM_001510.4(GRID2):c.806A>T (p.Asp269Val)

Gene: GRID2 (glutamate ionotropic receptor delta type subunit 2; plus strand). Cytogenetic location: 4q22.2.
Variant type: single nucleotide variant.
Coding change: c.806A>T on transcript NM_001510.4 (MANE Select); coding-DNA position 806, A replaced by T.
Protein change: p.Asp269Val; replaces aspartic acid 269 with valine.
Molecular consequence: missense variant.
Genome position (GRCh38, 1-based): chr4:93,216,754, A>T. VCF-style: chr4-93216754-A-T. GRCh37 (hg19) VCF-style: chr4-94137905-A-T.
Other names: c.521A>T, p.Asp174Val (NM_001286838.1); short protein forms D269V, D174V.
Identifiers: ClinVar variation 1935299 (VCV001935299.5), dbSNP rs1268349440, ClinGen allele CA357724059.